The following is an entry in ClinVar:

NM_000368.5(TSC1):c.3354G>A (p.Lys1118=)

Gene: TSC1 (TSC complex subunit 1; minus strand). Cytogenetic location: 9q34.13.
Variant type: single nucleotide variant.
Coding change: c.3354G>A on transcript NM_000368.5 (MANE Select); coding-DNA position 3354, G replaced by A.
Protein change: p.Lys1118=; no amino-acid change (lysine 1118 retained).
Molecular consequence: synonymous variant. On other transcripts: non-coding transcript variant (5).
Genome position (GRCh38, 1-based): chr9:132,896,376, C>T on the plus strand (G>A on the coding strand, the complement: TSC1 is on the minus strand). VCF-style: chr9-132896376-C-T. GRCh37 (hg19) VCF-style: chr9-135771763-C-T.
Other names: c.3354G>A, p.Lys1118= (NM_001406596.1, NM_001406592.1, NM_001406593.1 and 2 more transcripts); c.3351G>A, p.Lys1117= (NM_001406597.1, NM_001406598.1, NM_001406599.1 and 2 more transcripts); c.3339G>A, p.Lys1113= (NM_001406601.1, NM_001406602.1); c.3336G>A, p.Lys1112= (NM_001406603.1, NM_001406604.1); c.3312G>A, p.Lys1104= (NM_001406605.1, NM_001406606.1, NM_001406607.1); c.3309G>A, p.Lys1103= (NM_001406608.1, NM_001406609.1); c.3201G>A, p.Lys1067= (NM_001406610.1, NM_001162427.2); c.3198G>A, p.Lys1066= (NM_001406611.1, NM_001406612.1); and 8 more.
Identifiers: ClinVar variation 4071315 (VCV004071315.1).

ClinVar aggregate classification (germline): Benign (1 of 4 stars; one submission).

Conditions:
Tuberous sclerosis 1 (TSC1). Identifiers: Orphanet 805, MedGen C1854465, MONDO:0008612, OMIM 191100.

gnomAD v4.1: 5 of 1,614,232 alleles (0.00031%); highest among the groups gnomAD compares: South Asian, 0.0055%; no homozygotes.

Submission:

Myriad Genetics, Inc.
Classification: Benign for Tuberous sclerosis 1. Last evaluated: 2025-04-30. Review status: criteria provided, single submitter. Criteria: Myriad Autosomal Dominant, Autosomal Recessive and X-Linked Classification Criteria (2023). Collection method: clinical testing. Allele origin: unknown.
Comment: This variant is considered benign. This variant is a silent/synonymous amino acid change and it is not expected to impact splicing.